The following is an entry in ClinVar:

ClinVar aggregate classification (germline): Conflicting classifications of pathogenicity. Review status: criteria provided, conflicting classifications (1 of 4 stars). 3 submissions from 3 submitters: Uncertain significance (1); Likely benign (2). Last evaluated 2025-03-27.

Conditions:
Hereditary cancer-predisposing syndrome. Also called: Hereditary Cancer Syndrome; Hereditary neoplastic syndrome; Neoplastic Syndromes, Hereditary; Tumor predisposition. Identifiers: Orphanet 140162, MedGen C0027672, MeSH D009386, MONDO:0015356.
Peutz-Jeghers syndrome (PJS). Also called: POLYPOSIS, HAMARTOMATOUS INTESTINAL; POLYPS-AND-SPOTS SYNDROME; Peutz-Jeghers polyposis; Periorificial lentiginosis syndrome. Identifiers: Orphanet 2869, MedGen C0031269, MeSH D010580, MONDO:0008280, OMIM 175200.

Submissions (3):

Myriad Genetics, Inc.
Classification: Likely benign for Peutz-Jeghers syndrome. Last evaluated: 2025-03-27. Review status: criteria provided, single submitter. Criteria: Myriad Autosomal Dominant, Autosomal Recessive and X-Linked Classification Criteria (2023). Collection method: clinical testing. Allele origin: unknown.
Comment: This variant is considered likely benign. This variant is intronic and is not expected to impact mRNA splicing.

Labcorp Genetics (formerly Invitae), Labcorp
Classification: Likely benign for Peutz-Jeghers syndrome. Last evaluated: 2023-03-31. Review status: criteria provided, single submitter. Criteria: Invitae Variant Classification Sherloc (09022015). Collection method: clinical testing. Allele origin: germline.

Color Diagnostics, LLC DBA Color Health
Classification: Uncertain significance for Hereditary cancer-predisposing syndrome. Last evaluated: 2018-12-11. Review status: criteria provided, single submitter. Criteria: ACMG Guidelines, 2015. Collection method: clinical testing. Allele origin: germline.

NM_000455.5(STK11):c.862+9C>T

Gene: STK11 (serine/threonine kinase 11; plus strand). Cytogenetic location: 19p13.3.
Variant type: single nucleotide variant.
Coding change: c.862+9C>T on transcript NM_000455.5 (MANE Select); 9 bases into the intron after coding-DNA position 862, C replaced by T.
Molecular consequence: intron variant.
Genome position (GRCh38, 1-based): chr19:1,221,349, C>T. VCF-style: chr19-1221349-C-T. GRCh37 (hg19) VCF-style: chr19-1221348-C-T.
Identifiers: ClinVar variation 919805 (VCV000919805.6), dbSNP rs2080783149, ClinGen allele CA913188977.